The following is an entry in ClinVar:

NM_002878.4(RAD51D):c.388C>G (p.Gln130Glu)

Genes: RAD51D (RAD51 paralog D; minus strand), RAD51L3-RFFL (RAD51L3-RFFL readthrough; minus strand). Cytogenetic location: 17q12.
Variant type: single nucleotide variant.
Coding change: c.388C>G on transcript NM_002878.4 (MANE Select); coding-DNA position 388, C replaced by G.
Protein change: p.Gln130Glu; replaces glutamine 130 with glutamic acid.
Molecular consequence: missense variant. On other transcripts: non-coding transcript variant (1), intron variant (1).
Genome position (GRCh38, 1-based): chr17:35,107,080, G>C on the plus strand (C>G on the coding strand, the complement: RAD51D is on the minus strand). VCF-style: chr17-35107080-G-C. GRCh37 (hg19) VCF-style: chr17-33434099-G-C.
Other names: c.448C>G, p.Gln150Glu (NM_001142571.2); c.145-599C>G (NM_133629.3); short protein forms Q130E, Q150E.
Identifiers: ClinVar variation 1735875 (VCV001735875.2), dbSNP rs2142433436, ClinGen allele CA399089325.
Genomic context (GRCh38, chr17:35,107,080, plus strand): 5'-GCAGCTGGAGGAGGCGGGAAGCTGTCAGCCCTCCATTGGAATCTACATATAGGACGTTTT[G>C]CTGCAGGCCATGGGCCACATTTGCTGCCATACAGAGACATACCTGGGGGTGGGGGCATTG-3'
Protein context (NP_002869.3, residues 120-140): MAANVAHGLQ[Gln130Glu]NVLYVDSNGG

ClinVar aggregate classification (germline): Uncertain significance (1 of 4 stars; one submission).

Conditions:
Hereditary cancer-predisposing syndrome. Also called: Neoplastic Syndromes, Hereditary; Tumor predisposition; Hereditary Cancer Syndrome; Hereditary neoplastic syndrome. Identifiers: Orphanet 140162, MedGen C0027672, MeSH D009386, MONDO:0015356.

Submission:

Ambry Genetics
Classification: Uncertain significance for Hereditary cancer-predisposing syndrome. Last evaluated: 2021-02-24. Review status: criteria provided, single submitter. Criteria: Ambry Variant Classification Scheme 2023. Collection method: clinical testing. Allele origin: germline.
Comment: The p.Q130E variant (also known as c.388C>G), located in coding exon 5 of the RAD51D gene, results from a C to G substitution at nucleotide position 388. The glutamine at codon 130 is replaced by glutamic acid, an amino acid with highly similar properties. This amino acid position is highly conserved in available vertebrate species. In addition, the in silico prediction for this alteration is inconclusive. Since supporting evidence is limited at this time, the clinical significance of this alteration remains unclear.